The following is an entry in ClinVar:

ClinVar aggregate classification (germline): Conflicting classifications of pathogenicity. Review status: criteria provided, conflicting classifications (1 of 4 stars). 7 submissions from 7 submitters: Pathogenic (1); Likely pathogenic (4); Uncertain significance (1). 1 of the submissions does not count toward it. Last evaluated 2026-03-09.

Conditions:
Cerebral arteriopathy, autosomal dominant, with subcortical infarcts and leukoencephalopathy, type 1 (CADASIL1). Also called: CADASIL 1; CASIL; Cerebral arteriopathy with subcortical infarcts and leukoencephalopathy 1; DEMENTIA, HEREDITARY MULTIINFARCT TYPE. Identifiers: Orphanet 136, MedGen C4551768, MONDO:0000914, OMIM 125310.
Lateral meningocele syndrome (LMNS). Also called: NOTCH3-Related Lateral Meningocele Syndrome. Identifiers: Orphanet 2789, MedGen C1851710, MONDO:0007537, OMIM 130720.
NOTCH3-related disorder. Also called: NOTCH3-related condition; NOTCH3-related disorders.

Allele frequency attached by ClinVar (database versions not stated): ExAC 0.00002; TOPMed 0.00002; gnomAD exomes 0.00003; gnomAD 0.00004.
gnomAD v4.1: 46 of 1,614,080 alleles (0.0028%); highest among the groups gnomAD compares: East Asian, 0.022%; no homozygotes.

Submissions (7):

GeneDx
Classification: Uncertain significance. Last evaluated: 2026-03-09. Review status: criteria provided, single submitter. Criteria: GeneDx Variant Classification Process June 2021. Collection method: clinical testing. Allele origin: germline.
Comment: In silico analysis supports that this missense variant has a deleterious effect on protein structure/function; This variant is associated with the following publications: (PMID: 22664156, 27844030, 30279455, 28710804, 30954774, 31915071, 27375140, 32277177, 39271666, 37873835, 39869842, 40222943, 38790158, 40982447, 40783530, 37152446, 37479695, 35822697, 24844136)

Labcorp Genetics (formerly Invitae), Labcorp
Classification: Pathogenic. Last evaluated: 2025-09-14. Review status: criteria provided, single submitter. Criteria: Invitae Variant Classification Sherloc (09022015). Collection method: clinical testing. Allele origin: germline.
Comment: This sequence change replaces arginine, which is basic and polar, with cysteine, which is neutral and slightly polar, at codon 640 of the NOTCH3 protein (p.Arg640Cys). This variant is present in population databases (rs760768552, gnomAD 0.02%). This missense change has been observed in individuals with cerebral arteriopathy with subcortical infarcts and leukoencephalopathy 1 (PMID: 22664156, 28710804, 30279455, 32277177; externalcommunication). ClinVar contains an entry for this variant (Variation ID: 870211). Invitae Evidence Modeling of protein sequence and biophysical properties (such as structural, functional, and spatial information, amino acid conservation, physicochemical variation, residue mobility, and thermodynamic stability) indicates that this missense variant is expected to disrupt NOTCH3 protein function with a positive predictive value of 95%. For these reasons, this variant has been classified as Pathogenic.

3billion
Classification: Likely pathogenic for Cerebral arteriopathy, autosomal dominant, with subcortical infarcts and leukoencephalopathy, type 1. Last evaluated: 2025-07-09. Review status: criteria provided, single submitter. Criteria: ACMG Guidelines, 2015. Collection method: clinical testing. Allele origin: germline. Affected: yes.
Comment: The variant is observed at an allele frequency greater than expected for the associated disorder in the gnomAD v4.1.0 dataset and therefore considered benign. Predicted Consequence/Location: Missense variant. Missense changes are a common disease-causing mechanism. In silico tool predictions suggest damaging effect of the variant on gene or gene product [REVEL: 0.80 (>=0.6, sensitivity 0.68 and specificity 0.92)]. The same nucleotide change resulting in the same amino acid change has been previously reported as pathogenic/likely pathogenic with strong evidence (ClinVar ID: VCV000870211 /PMID: 22664156 /3billion dataset). Therefore, this variant is classified as Likely pathogenic according to the recommendation of ACMG/AMP guideline.

Athena Diagnostics
Classification: Likely pathogenic. Last evaluated: 2025-02-04. Review status: criteria provided, single submitter. Criteria: Athena Diagnostics Criteria. Collection method: clinical testing. Allele origin: unknown.
Comment: The frequency of this variant in the general population is higher than would generally be expected for pathogenic variants in this gene. However, the variant is also statistically more frequent in published patients with CADASIL (PMID: 28710804, 39271666, 32277177). This variant alters a critical location within the protein (EGF-like repeat domain 16), and is expected to severely affect function and cause disease. Pathogenic variants in the EGF-like repeat domains 7-34 have a higher population frequency than variants in the EGF-like repeat domains 1-6. Therefore, variants in domains 7-34 may be associated with milder disease or may possibly be non-penetrant (PMID: 27844030, 30032161). Greater than 90% of NOTCH3 pathogenic variants associated with CADASIL involve the gain or loss of a cysteine residue within the epidermal growth factor (EGF)-like repeat domain (PMID: 32457593, 20301673).

Mayo Clinic Laboratories, Mayo Clinic
Classification: Likely pathogenic. Last evaluated: 2024-12-31. Review status: criteria provided, single submitter. Criteria: ACMG Guidelines, 2015. Collection method: clinical testing. Allele origin: germline. Observed: 2 variant alleles.
Comment: PP2, PP3_moderate, PP4, PM1, PS4_moderate

CeGaT Center for Human Genetics Tuebingen
Classification: Likely pathogenic. Last evaluated: 2022-09-01. Review status: criteria provided, single submitter. Criteria: CeGaT Center For Human Genetics Tuebingen Variant Classification Criteria Version 2. Collection method: clinical testing. Allele origin: germline. Affected: yes. Observed: 1 variant allele.
Comment: NOTCH3: PM1:Strong, PS4:Moderate, PP2

PreventionGenetics, part of Exact Sciences
Classification: Likely pathogenic for NOTCH3-related condition. Last evaluated: 2024-05-01. Review status: no assertion criteria provided. Collection method: clinical testing. Allele origin: germline. Not counted in ClinVar's aggregate classification.
Comment: The NOTCH3 c.1918C>T variant is predicted to result in the amino acid substitution p.Arg640Cys. This variant has been reported to be causative for CADASIL1 (Table S4, Testi et al. 2012. PubMed ID: 22664156; Rutten et al. 2016. PubMed ID: 27844030). This variant is reported in 0.015% of alleles in individuals of East Asian descent in gnomAD. Most CADASIL causing variants in the NOTCH3 gene result in the gain or loss of one or more cysteine residues in the extracellular domain of the protein, as seen in this patient. This variant alters a cysteine residue and is located in the extracellular EGF-like domain 16. Pathogenic variants in EGF-like domains 1-6 appear to be fully penetrant and are usually associated with the classical CADASIL phenotype. However, there is variability in disease severity. Pathogenic variants in EGF-like domains 7-34 have a much higher population frequency, and can predispose to a milder small-vessel disease, possibly even displaying incomplete penetrance or very late onset complete penetrance (OMIM #125310; Rutten et al. 2016. PubMed ID: 27844030; Rutten et al. 2019. PubMed ID: 30032161). This variant is interpreted as likely pathogenic.

Literature cited by the submitters: PubMed 22664156 (cited by 3 submitters); PubMed 28710804 (cited by 3 submitters); PubMed 30279455 (cited by 3 submitters); PubMed 32277177 (cited by 3 submitters); PubMed 35822697 (cited by Athena Diagnostics and Mayo Clinic Laboratories, Mayo Clinic); PubMed 31915071 (cited by Athena Diagnostics and Mayo Clinic Laboratories, Mayo Clinic); PubMed 37479695 (cited by Athena Diagnostics and Mayo Clinic Laboratories, Mayo Clinic); PubMed 32106772 (cited by Athena Diagnostics); PubMed 37873835 (cited by Athena Diagnostics); PubMed 38790158 (cited by Athena Diagnostics); PubMed 39271666 (cited by Athena Diagnostics); PubMed 38520151 (cited by Athena Diagnostics); PubMed 30954774 (cited by Athena Diagnostics and Mayo Clinic Laboratories, Mayo Clinic); PubMed 27844030 (cited by Athena Diagnostics); PubMed 32732295 (cited by Athena Diagnostics and Mayo Clinic Laboratories, Mayo Clinic); PubMed 37152446 (cited by Mayo Clinic Laboratories, Mayo Clinic).

NM_000435.3(NOTCH3):c.1918C>T (p.Arg640Cys)

Gene: NOTCH3 (notch receptor 3; minus strand). Cytogenetic location: 19p13.12.
Variant type: single nucleotide variant.
Coding change: c.1918C>T on transcript NM_000435.3 (MANE Select); coding-DNA position 1918, C replaced by T.
Protein change: p.Arg640Cys; replaces arginine 640 with cysteine.
Molecular consequence: missense variant.
Genome position (GRCh38, 1-based): chr19:15,186,911, G>A on the plus strand (C>T on the coding strand, the complement: NOTCH3 is on the minus strand). VCF-style: chr19-15186911-G-A. GRCh37 (hg19) VCF-style: chr19-15297722-G-A.
Other names: p.Arg640Cys; short protein forms R640C.
Identifiers: ClinVar variation 870211 (VCV000870211.45), dbSNP rs760768552, ClinGen allele CA9263506.